The following is an entry in ClinVar:

ClinVar aggregate classification (germline): Uncertain significance. Review status: criteria provided, multiple submitters, no conflicts (2 of 4 stars). 3 submissions from 3 submitters: Uncertain significance (3). Last evaluated 2026-02-19.

Conditions:
DCTN1-related disorder. Also called: DCTN1-related condition.
Inborn genetic diseases. Identifiers: MedGen C0950123, MeSH D030342.
Neuronopathy, distal hereditary motor, type 7B. Also called: NEURONOPATHY, DISTAL HEREDITARY MOTOR, AUTOSOMAL DOMINANT 14; NEURONOPATHY, DISTAL HEREDITARY MOTOR, HARDING TYPE VIIB; NEUROPATHY, DISTAL HEREDITARY MOTOR, HARDING TYPE VIIB; NEUROPATHY, DISTAL HEREDITARY MOTOR, WITH VOCAL CORD PARALYSIS, HARDING TYPE VIIB; Distal Hereditary Motor Neuronopathy Type 7B (dHMN7B); HMN VIIB. Identifiers: Orphanet 139589, MedGen C1843315, MONDO:0011879, OMIM 607641.
Perry syndrome. Also called: PARKINSONISM WITH ALVEOLAR HYPOVENTILATION AND MENTAL DEPRESSION. Identifiers: Orphanet 178509, MedGen C1868594, MONDO:0008201, OMIM 168605.
Amyotrophic lateral sclerosis type 1 (ALS1). Also called: AMYOTROPHIC LATERAL SCLEROSIS 1, FAMILIAL. Identifiers: Orphanet 803, MedGen C1862939, MONDO:0007103, OMIM 105400.

Allele frequency attached by ClinVar (database versions not stated): ExAC 0.00001; gnomAD exomes 0.00001; TOPMed 0.00001; gnomAD 0.00003; ESP Exome Variant Server 0.00008.
gnomAD v4.1: 63 of 1,614,094 alleles (0.0039%); highest among the groups gnomAD compares: Non-Finnish European, 0.0048%; no homozygotes.

Submissions (3):

PreventionGenetics, part of Exact Sciences
Classification: Uncertain significance for DCTN1-related condition. Last evaluated: 2026-02-19. Review status: criteria provided, single submitter. Criteria: ACMG Guidelines, 2015. Collection method: clinical testing. Allele origin: germline.
Comment: The DCTN1 c.2005C>T variant is predicted to result in the amino acid substitution p.Arg669Cys. To our knowledge, this variant has not been reported in the literature. This variant is reported in 0.0023% of alleles in individuals of European (Non-Finnish) descent in gnomAD. At this time, the clinical significance of this variant is uncertain due to the absence of conclusive functional and genetic evidence.

Ambry Genetics
Classification: Uncertain significance for Inborn genetic diseases. Last evaluated: 2025-09-11. Review status: criteria provided, single submitter. Criteria: Ambry Variant Classification Scheme 2023. Collection method: clinical testing. Allele origin: germline.

Labcorp Genetics (formerly Invitae), Labcorp
Classification: Uncertain significance for Amyotrophic lateral sclerosis type 1; Neuronopathy, distal hereditary motor, type 7B; Perry syndrome. Last evaluated: 2025-04-17. Review status: criteria provided, single submitter. Criteria: Invitae Variant Classification Sherloc (09022015). Collection method: clinical testing. Allele origin: germline.
Comment: This sequence change replaces arginine, which is basic and polar, with cysteine, which is neutral and slightly polar, at codon 669 of the DCTN1 protein (p.Arg669Cys). This variant is present in population databases (rs150746209, gnomAD 0.002%). This variant has not been reported in the literature in individuals affected with DCTN1-related conditions. ClinVar contains an entry for this variant (Variation ID: 536162). Invitae Evidence Modeling of protein sequence and biophysical properties (such as structural, functional, and spatial information, amino acid conservation, physicochemical variation, residue mobility, and thermodynamic stability) indicates that this missense variant is not expected to disrupt DCTN1 protein function with a negative predictive value of 95%. In summary, the available evidence is currently insufficient to determine the role of this variant in disease. Therefore, it has been classified as a Variant of Uncertain Significance.

NM_004082.5(DCTN1):c.2005C>T (p.Arg669Cys)

Gene: DCTN1 (dynactin subunit 1; minus strand). Cytogenetic location: 2p13.1.
Variant type: single nucleotide variant.
Coding change: c.2005C>T on transcript NM_004082.5 (MANE Select); coding-DNA position 2005, C replaced by T.
Protein change: p.Arg669Cys; replaces arginine 669 with cysteine.
Molecular consequence: missense variant. On other transcripts: non-coding transcript variant (1).
Genome position (GRCh38, 1-based): chr2:74,367,981, G>A on the plus strand (C>T on the coding strand, the complement: DCTN1 is on the minus strand). VCF-style: chr2-74367981-G-A. GRCh37 (hg19) VCF-style: chr2-74595108-G-A.
Other names: c.1945C>T, p.Arg649Cys (NM_001135040.3); c.1603C>T, p.Arg535Cys (NM_001135041.3, NM_023019.4); c.1894C>T, p.Arg632Cys (NM_001190836.2); c.1984C>T, p.Arg662Cys (NM_001190837.2); c.1954C>T, p.Arg652Cys (NM_001378991.1); c.1936C>T, p.Arg646Cys (NM_001378992.1); short protein forms R535C, R632C, R669C, R649C, R662C, R646C, R652C.
Identifiers: ClinVar variation 536162 (VCV000536162.14), dbSNP rs150746209, ClinGen allele CA1721990.